The following is an entry in ClinVar:

NM_014285.7(EXOSC2):c.250G>A (p.Val84Ile)

Gene: EXOSC2 (exosome component 2; plus strand). Cytogenetic location: 9q34.12.
Variant type: single nucleotide variant.
Coding change: c.250G>A on transcript NM_014285.7 (MANE Select); coding-DNA position 250, G replaced by A.
Protein change: p.Val84Ile; replaces valine 84 with isoleucine.
Molecular consequence: missense variant. On other transcripts: non-coding transcript variant (1).
Genome position (GRCh38, 1-based): chr9:130,697,607, G>A. VCF-style: chr9-130697607-G-A. GRCh37 (hg19) VCF-style: chr9-133572994-G-A.
Other names: c.250G>A, p.Val84Ile (NM_001282708.1, NM_001282709.1); short protein forms V84I.
Identifiers: ClinVar variation 1023651 (VCV001023651.6), dbSNP rs1831123512, ClinGen allele CA375246839.

ClinVar aggregate classification (germline): Uncertain significance (1 of 4 stars; one submission).

Allele frequency attached by ClinVar (database versions not stated): gnomAD exomes below 0.00001.

Submission:

Labcorp Genetics (formerly Invitae), Labcorp
Classification: Uncertain significance. Last evaluated: 2022-07-26. Review status: criteria provided, single submitter. Criteria: Invitae Variant Classification Sherloc (09022015). Collection method: clinical testing. Allele origin: germline.
Comment: This sequence change replaces valine, which is neutral and non-polar, with isoleucine, which is neutral and non-polar, at codon 84 of the EXOSC2 protein (p.Val84Ile). This variant is not present in population databases (gnomAD no frequency). This variant has not been reported in the literature in individuals affected with EXOSC2-related conditions. ClinVar contains an entry for this variant (Variation ID: 1023651). Algorithms developed to predict the effect of missense changes on protein structure and function are either unavailable or do not agree on the potential impact of this missense change (SIFT: "Deleterious"; PolyPhen-2: "Benign"; Align-GVGD: "Class C25"). In summary, the available evidence is currently insufficient to determine the role of this variant in disease. Therefore, it has been classified as a Variant of Uncertain Significance.